The following is an entry in ClinVar:

NM_001042545.2(LTBP4):c.4184G>A (p.Arg1395Gln)

Gene: LTBP4 (latent transforming growth factor beta binding protein 4; plus strand). Cytogenetic location: 19q13.2.
Variant type: single nucleotide variant.
Coding change: c.4184G>A on transcript NM_001042545.2 (MANE Select); coding-DNA position 4184, G replaced by A.
Protein change: p.Arg1395Gln; replaces arginine 1395 with glutamine.
Molecular consequence: missense variant.
Genome position (GRCh38, 1-based): chr19:40,627,173, G>A. VCF-style: chr19-40627173-G-A. GRCh37 (hg19) VCF-style: chr19-41133078-G-A.
Other names: c.4385G>A, p.Arg1462Gln (NM_001042544.1); c.4274G>A, p.Arg1425Gln (NM_003573.2); short protein forms R1395Q, R1462Q, R1425Q.
Identifiers: ClinVar variation 972962 (VCV000972962.5), dbSNP rs1032506558, ClinGen allele CA308436318.
Genomic context (GRCh38, chr19:40,627,173, plus strand): 5'-ACCCACCACCTGCGCTACCCTACGACCCCTACCCACCGCCACCTGGGCCCTTCGCCCGCC[G>A]GGAGGCTCCTTATGGGGCACCCCGCTTCGACATGCCAGACTTTGAGGACGATGGTGGCCC-3'
Protein context (NP_001036010.1, residues 1385-1405): YPPPPGPFAR[Arg1395Gln]EAPYGAPRFD

ClinVar aggregate classification (germline): Uncertain significance (1 of 4 stars; one submission).

Conditions:
Cutis laxa with severe pulmonary, gastrointestinal and urinary anomalies. Also called: URBAN-RIFKIN-DAVIS SYNDROME; Cutis laxa, autosomal recessive, type IC; LTBP4-Related Cutis Laxa. Identifiers: Orphanet 221145, MedGen C2750804, MONDO:0013170, OMIM 613177. Disease mechanism: loss of function.

Allele frequency attached by ClinVar (database versions not stated): gnomAD 0.00001; gnomAD exomes 0.00001; TOPMed 0.00001.
gnomAD v4.1: 21 of 1,613,010 alleles (0.0013%); highest among the groups gnomAD compares: Non-Finnish European, 0.0017%; no homozygotes.

Submission:

GeneDx
Classification: Uncertain significance. Last evaluated: 2024-06-10. Review status: criteria provided, single submitter. Criteria: GeneDx Variant Classification Process June 2021. Collection method: clinical testing. Allele origin: germline. Affected: yes.
Comment: Has not been previously published as pathogenic or benign to our knowledge; Not observed at significant frequency in large population cohorts (gnomAD); In silico analysis, which includes protein predictors and evolutionary conservation, supports that this variant does not alter protein structure/function